The following is an entry in ClinVar:

ClinVar aggregate classification (germline): Pathogenic (1 of 4 stars; one submission).

Conditions:
Duchenne muscular dystrophy (DMD). Also called: MUSCULAR DYSTROPHY, PSEUDOHYPERTROPHIC PROGRESSIVE, DUCHENNE TYPE; Duchenne Muscular Dystrophy (DMD). Identifiers: Orphanet 98896, MedGen C0013264, MONDO:0010679, OMIM 310200.

Submission:

Labcorp Genetics (formerly Invitae), Labcorp
Classification: Pathogenic for Duchenne muscular dystrophy. Last evaluated: 2024-11-25. Review status: criteria provided, single submitter. Criteria: Invitae Variant Classification Sherloc (09022015). Collection method: clinical testing. Allele origin: germline.
Comment: This sequence change creates a premature translational stop signal (p.Asp2750Cysfs*7) in the DMD gene. It is expected to result in an absent or disrupted protein product. Loss-of-function variants in DMD are known to be pathogenic (PMID: 16770791, 25007885). This variant is not present in population databases (gnomAD no frequency). This variant has not been reported in the literature in individuals affected with DMD-related conditions. For these reasons, this variant has been classified as Pathogenic.

Literature cited by the submitters: PubMed 16770791; PubMed 25007885.

NM_004006.3(DMD):c.8248_8249del (p.Asp2750fs)

Gene: DMD (dystrophin; minus strand). Cytogenetic location: Xp21.1.
Variant type: Deletion.
Coding change: c.8248_8249del on transcript NM_004006.3 (MANE Select); coding-DNA positions 8248 to 8249, 2 bases deleted (GA; older notation c.8248_8249delGA).
Protein change: p.Asp2750fs; shifts the reading frame from aspartic acid 2750.
Molecular consequence: frameshift variant.
Genome position (GRCh38, 1-based): chrX:31,507,422-31,507,423, TC deleted on the plus strand (GA on the coding strand, the reverse complement: DMD is on the minus strand); deleting any 2 consecutive bases within chrX:31,507,422-31,507,424 gives the same sequence; the c. name uses the placement nearest the transcript's 3' end. VCF-style (leftmost placement, unchanged base first): chrX-31507421-ATC-A. GRCh37 (hg19) VCF-style: chrX-31525538-ATC-A.
Other names: c.8224_8225del, p.Asp2742fs (NM_000109.4); c.8236_8237del, p.Asp2746fs (NM_004009.3); c.7879_7880del, p.Asp2627fs (NM_004010.3); c.4225_4226del, p.Asp1409fs (NM_004011.4); c.4216_4217del, p.Asp1406fs (NM_004012.4); c.868_869del, p.Asp290fs (NM_004013.3, NM_004020.4, NM_004021.3 and 2 more transcripts); c.61_62del, p.Asp21fs (NM_004014.3); short protein forms D2627fs, D290fs, D1406fs, D2742fs, D1409fs, D21fs, D2746fs, D2750fs.
Identifiers: ClinVar variation 3708140 (VCV003708140.2).